The following is an entry in ClinVar:

NM_001282531.3(ADNP):c.202-5_202-1del

Gene: ADNP (activity dependent neuroprotector homeobox; minus strand). Cytogenetic location: 20q13.13.
Variant type: Deletion.
Coding change: c.202-5_202-1del on transcript NM_001282531.3 (MANE Select); 5 bases into the intron before coding-DNA position 202 through the canonical splice acceptor site of the intron before coding-DNA position 202, 5 bases deleted (TTTAG; older notation c.202-5_202-1delTTTAG).
Molecular consequence: splice acceptor variant.
Genome position (GRCh38, 1-based): chr20:50,894,513-50,894,517, CTAAA deleted on the plus strand (TTTAG on the coding strand, the reverse complement: ADNP is on the minus strand). VCF-style (leftmost placement, unchanged base first): chr20-50894512-CCTAAA-C. GRCh37 (hg19) VCF-style: chr20-49511049-CCTAAA-C.
Other names: c.202-5_202-1del (NM_181442.4, NM_001347511.2, NM_015339.5 and 1 more transcripts).
Identifiers: ClinVar variation 2628381 (VCV002628381.1), dbSNP rs2515593126, ClinGen allele CA2695201405.

ClinVar aggregate classification (germline): Likely pathogenic (1 of 4 stars; one submission).

Conditions:
ADNP-related disorder. Also called: ADNP-related condition.

Submission:

PreventionGenetics, part of Exact Sciences
Classification: Likely pathogenic for ADNP-related condition. Last evaluated: 2022-09-15. Review status: criteria provided, single submitter. Criteria: ACMG Guidelines, 2015. Collection method: clinical testing. Allele origin: germline.
Comment: The ADNP c.202-5_202-1del5 variant is predicted to result in a deletion affecting a canonical splice site. This is predicted to to interfere with splicing. To our knowledge, this variant has not been reported in the literature or in a large population database, indicating this variant is rare. This variant is interpreted as likely pathogenic.